The following is an entry in ClinVar:

ClinVar aggregate classification (germline): Uncertain significance (1 of 4 stars; one submission).

Conditions:
NRP1-related disorder. Also called: NRP1-related condition.

Allele frequency attached by ClinVar (database versions not stated): gnomAD 0.00001; TOPMed 0.00004; gnomAD exomes 0.00009; ExAC 0.00025.
gnomAD v4.1: 60 of 1,614,022 alleles (0.0037%); highest among the groups gnomAD compares: Admixed American, 0.088%; no homozygotes.

Submission:

PreventionGenetics, part of Exact Sciences
Classification: Uncertain significance for NRP1-related condition. Last evaluated: 2026-05-01. Review status: criteria provided, single submitter. Criteria: ACMG Guidelines, 2015. Collection method: clinical testing. Allele origin: germline.
Comment: The NRP1 c.2192C>T variant is predicted to result in the amino acid substitution p.Ser731Phe. To our knowledge, this variant has not been reported in the literature. This variant is reported in 0.12% of alleles in individuals of Latino descent in gnomAD, which is more common than expected for an undocumented cause of disease. Although we suspect that this variant may be benign, at this time, the clinical significance of this variant is uncertain due to the absence of conclusive functional and genetic evidence.

NM_003873.7(NRP1):c.2192C>T (p.Ser731Phe)

Gene: NRP1 (neuropilin 1; minus strand). Cytogenetic location: 10p11.22.
Variant type: single nucleotide variant.
Coding change: c.2192C>T on transcript NM_003873.7 (MANE Select); coding-DNA position 2192, C replaced by T.
Protein change: p.Ser731Phe; replaces serine 731 with phenylalanine.
Molecular consequence: missense variant. On other transcripts: non-coding transcript variant (1).
Genome position (GRCh38, 1-based): chr10:33,186,359, G>A on the plus strand (C>T on the coding strand, the complement: NRP1 is on the minus strand). VCF-style: chr10-33186359-G-A. GRCh37 (hg19) VCF-style: chr10-33475287-G-A.
Other names: c.2174C>T, p.Ser725Phe (NM_001244972.2); c.2171C>T, p.Ser724Phe (NM_001244973.2); c.2192C>T, p.Ser731Phe (NM_001330068.2); short protein forms S724F, S725F, S731F.
Identifiers: ClinVar variation 3030222 (VCV003030222.3), dbSNP rs757977129, ClinGen allele CA5466243.